The following is an entry in ClinVar:

ClinVar aggregate classification (germline): Uncertain significance (1 of 4 stars; one submission).

Conditions:
Long QT syndrome (LQTS). Identifiers: MedGen C0023976, MeSH D008133, MONDO:0002442. Disease mechanism: loss of function. Inheritance: Various modes of inheritance.

Allele frequency attached by ClinVar (database versions not stated): ExAC 0.00001; gnomAD exomes 0.00002; TOPMed 0.00002.
gnomAD v4.1: 28 of 1,614,132 alleles (0.0017%); highest among the groups gnomAD compares: Non-Finnish European, 0.0024%; no homozygotes.

Submission:

Labcorp Genetics (formerly Invitae), Labcorp
Classification: Uncertain significance for Long QT syndrome. Last evaluated: 2022-03-26. Review status: criteria provided, single submitter. Criteria: Invitae Variant Classification Sherloc (09022015). Collection method: clinical testing. Allele origin: germline.
Comment: In summary, the available evidence is currently insufficient to determine the role of this variant in disease. Therefore, it has been classified as a Variant of Uncertain Significance. Algorithms developed to predict the effect of missense changes on protein structure and function (SIFT, PolyPhen-2, Align-GVGD) all suggest that this variant is likely to be tolerated. This missense change has been observed in individual(s) with clinical features of CAV3-related conditions (PMID: 27312022). This variant is present in population databases (rs730880419, gnomAD no frequency). This sequence change replaces phenylalanine, which is neutral and non-polar, with valine, which is neutral and non-polar, at codon 54 of the CAV3 protein (p.Phe54Val).

Literature cited by the submitters: PubMed 27312022.

NM_033337.3(CAV3):c.160T>G (p.Phe54Val)

Genes: CAV3 (caveolin 3; plus strand), OXTR (oxytocin receptor; minus strand). Cytogenetic location: 3p25.3.
Variant type: single nucleotide variant.
Coding change: c.160T>G on transcript NM_033337.3 (MANE Select); coding-DNA position 160, T replaced by G.
Protein change: p.Phe54Val; replaces phenylalanine 54 with valine.
Molecular consequence: missense variant.
Genome position (GRCh38, 1-based): chr3:8,745,571, T>G. VCF-style: chr3-8745571-T-G. GRCh37 (hg19) VCF-style: chr3-8787257-T-G.
Other names: c.160T>G, p.Phe54Val (NM_001234.5); short protein forms F54V.
Identifiers: ClinVar variation 1982948 (VCV001982948.4), dbSNP rs730880419, ClinGen allele CA295935.